The following is an entry in ClinVar:

NM_003361.4(UMOD):c.116C>A (p.Ala39Asp)

Gene: UMOD (uromodulin; minus strand). Cytogenetic location: 16p12.3.
Variant type: single nucleotide variant.
Coding change: c.116C>A on transcript NM_003361.4 (MANE Select); coding-DNA position 116, C replaced by A.
Protein change: p.Ala39Asp; replaces alanine 39 with aspartic acid.
Molecular consequence: missense variant. On other transcripts: non-coding transcript variant (1).
Genome position (GRCh38, 1-based): chr16:20,349,185, G>T on the plus strand (C>A on the coding strand, the complement: UMOD is on the minus strand). VCF-style: chr16-20349185-G-T. GRCh37 (hg19) VCF-style: chr16-20360507-G-T.
Other names: c.116C>A, p.Ala39Asp (NM_001008389.3, NM_001378232.1, NM_001378233.1 and 3 more transcripts); c.215C>A, p.Ala72Asp (NM_001278614.2); short protein forms A39D, A72D.
Identifiers: ClinVar variation 586920 (VCV000586920.5), dbSNP rs762973149, ClinGen allele CA394965653.
Genomic context (GRCh38, chr16:20,349,185, plus strand): 5'-TCGCCGGTGAAGCCCTCCTGACAGGTGCACGTCGTAACGGCCTCATCCTCCGTGCAGGTG[G>T]CATTGCTGTGACATTCAGAGCACCATCCTGTGGACAGAAAAGCCCAGCTTCAGGGTTTGG-3'
Protein context (NP_003352.2, residues 29-49): ARWCSECHSN[Ala39Asp]TCTEDEAVTT

ClinVar aggregate classification (germline): Uncertain significance. Review status: criteria provided, multiple submitters, no conflicts (2 of 4 stars). 4 submissions from 4 submitters: Uncertain significance (4). Last evaluated 2024-02-08.

Conditions:
Inborn genetic diseases. Identifiers: MedGen C0950123, MeSH D030342.
Familial juvenile hyperuricemic nephropathy type 1 (ADTKD1). Also called: Autosomal Dominant Tubulointerstitial Kidney Disease – UMOD; UMOD-Associated Kidney Disease; Uromodulin-associated kidney disease; Glomerulocystic kidney disease with hyperuricemia and isosthenuria; Medullary cystic kidney disease 2. Identifiers: Orphanet 209886, Orphanet 34149, Orphanet 88950, MedGen C4551496, MONDO:0008073, OMIM 162000.

gnomAD v4.1: 1 of 1,613,780 alleles (0.000062%); highest among the groups gnomAD compares: Non-Finnish European, 0.000085%; no homozygotes.

Submissions (4):

Ambry Genetics
Classification: Uncertain significance for Inborn genetic diseases. Last evaluated: 2024-02-08. Review status: criteria provided, single submitter. Criteria: Ambry Variant Classification Scheme 2023. Collection method: clinical testing. Allele origin: germline.

Fulgent Genetics
Classification: Uncertain significance for Familial juvenile hyperuricemic nephropathy type 1. Last evaluated: 2021-07-06. Review status: criteria provided, single submitter. Criteria: ACMG Guidelines, 2015. Collection method: clinical testing. Allele origin: unknown.

GeneDx
Classification: Uncertain significance. Last evaluated: 2019-03-14. Review status: criteria provided, single submitter. Criteria: GeneDx Variant Classification Process June 2021. Collection method: clinical testing. Allele origin: germline. Affected: yes.
Comment: Not observed in large population cohorts (Lek et al., 2016); In silico analysis, which includes protein predictors and evolutionary conservation, supports a deleterious effect; Has not been previously published as pathogenic or benign to our knowledge

Athena Diagnostics
Classification: Uncertain significance. Last evaluated: 2018-04-03. Review status: criteria provided, single submitter. Criteria: Athena Diagnostics Criteria. Collection method: clinical testing. Allele origin: germline.

Literature cited by the submitters: PubMed 35368791 (cited by Ambry Genetics).